The following is an entry in ClinVar:

ClinVar aggregate classification (germline): Pathogenic. Review status: criteria provided, multiple submitters, no conflicts (2 of 4 stars). 4 submissions from 4 submitters: Pathogenic (3). 1 of the submissions does not count toward it. Last evaluated 2024-09-12.

Conditions:
RS1-related disorder. Also called: RS1-related condition.
Retinal dystrophy. Also called: Inherited retinal dystrophy. Identifiers: Orphanet 71862, MedGen C0854723, MeSH D058499, MONDO:0019118, HP:0000556.

Submissions (4):

Blueprint Genetics
Classification: Pathogenic for RS1-related disorders. Last evaluated: 2024-09-12. Review status: criteria provided, single submitter. Criteria: ACMG Guidelines, 2015. Collection method: clinical testing. Allele origin: germline. Affected: yes. Observed: 5 variant alleles.

Labcorp Genetics (formerly Invitae), Labcorp
Classification: Pathogenic. Last evaluated: 2022-09-27. Review status: criteria provided, single submitter. Criteria: Invitae Variant Classification Sherloc (09022015). Collection method: clinical testing. Allele origin: germline.
Comment: For these reasons, this variant has been classified as Pathogenic. Advanced modeling of protein sequence and biophysical properties (such as structural, functional, and spatial information, amino acid conservation, physicochemical variation, residue mobility, and thermodynamic stability) performed at Invitae indicates that this missense variant is expected to disrupt RS1 protein function. ClinVar contains an entry for this variant (Variation ID: 98927). This missense change has been observed in individual(s) with retinoschisis (PMID: 10450864, 25054456). It has also been observed to segregate with disease in related individuals. This variant is not present in population databases (gnomAD no frequency). This sequence change replaces alanine, which is neutral and non-polar, with glutamic acid, which is acidic and polar, at codon 98 of the RS1 protein (p.Ala98Glu).

Institute of Human Genetics, Univ. Regensburg, Univ. Regensburg
Classification: Pathogenic for Retinal dystrophy. Last evaluated: 2006-01-01. Review status: criteria provided, single submitter. Criteria: ACMG Guidelines, 2015. Collection method: clinical testing. Allele origin: germline. Affected: yes.

Retina International
No classification provided. Review status: no classification provided. Collection method: not provided. Allele origin: unknown. Not counted in ClinVar's aggregate classification.

Literature cited by the submitters: PubMed 10450864 (cited by Labcorp Genetics (formerly Invitae), Labcorp and Institute of Human Genetics, Univ. Regensburg, Univ. Regensburg); PubMed 25054456 (cited by Labcorp Genetics (formerly Invitae), Labcorp); PubMed 2505445 (cited by Institute of Human Genetics, Univ. Regensburg, Univ. Regensburg).

NM_000330.4(RS1):c.293C>A (p.Ala98Glu)

Genes: CDKL5 (cyclin dependent kinase like 5; plus strand), RS1 (retinoschisin 1; minus strand). Cytogenetic location: Xp22.13.
Variant type: single nucleotide variant.
Coding change: c.293C>A on transcript NM_000330.4 (MANE Select); coding-DNA position 293, C replaced by A.
Protein change: p.Ala98Glu; replaces alanine 98 with glutamic acid.
Molecular consequence: missense variant. On other transcripts: intron variant (2).
Genome position (GRCh38, 1-based): chrX:18,647,224, G>T on the plus strand (C>A on the coding strand, the complement: RS1 is on the minus strand). VCF-style: chrX-18647224-G-T. GRCh37 (hg19) VCF-style: chrX-18665344-G-T.
Other names: c.2797+1134G>T (NM_003159.3, NM_001037343.2); short protein forms A98E.
Identifiers: ClinVar variation 98927 (VCV000098927.9), dbSNP rs61752065, ClinGen allele CA226658.